The following is an entry in ClinVar:

ClinVar aggregate classification (germline): Pathogenic. Review status: criteria provided, multiple submitters, no conflicts (2 of 4 stars). 5 submissions from 5 submitters: Pathogenic (4). 1 of the submissions does not count toward it. Last evaluated 2026-09-15.

Conditions:
DNAH11-related disorders.
Primary ciliary dyskinesia. Also called: Ciliary dyskinesia. Identifiers: Orphanet 244, MedGen C0008780, MONDO:0016575, HP:0012265.

Allele frequency attached by ClinVar (database versions not stated): gnomAD exomes 0.00001 and 0.00002; ExAC 0.00002; gnomAD 0.00002 and 0.00003; TOPMed 0.00002.
gnomAD v4.1: 29 of 1,613,406 alleles (0.0018%); highest among the groups gnomAD compares: Non-Finnish European, 0.002%; no homozygotes.

Submissions (5):

GeneDx
Classification: Pathogenic. Last evaluated: 2026-09-15. Review status: criteria provided, single submitter. Criteria: GeneDx Variant Classification Process June 2021. Collection method: clinical testing. Allele origin: germline.
Comment: Nonsense variant predicted to result in protein truncation or nonsense mediated decay in a gene for which loss of function is a known mechanism of disease; Reported in a patient with clinical features of primary ciliary dyskinesia who also harbored a partial deletion in the DNAH11 gene in published literature, although it is not known whether the variants were on the same allele (in cis) or opposite alleles (in trans) (PMID: 30067075); This variant is associated with the following publications: (PMID: 30067075, 42134984)

Labcorp Genetics (formerly Invitae), Labcorp
Classification: Pathogenic for Primary ciliary dyskinesia. Last evaluated: 2025-09-28. Review status: criteria provided, single submitter. Criteria: Invitae Variant Classification Sherloc (09022015). Collection method: clinical testing. Allele origin: germline.
Comment: This sequence change creates a premature translational stop signal (p.Arg2044*) in the DNAH11 gene. It is expected to result in an absent or disrupted protein product. Loss-of-function variants in DNAH11 are known to be pathogenic (PMID: 18022865, 20513915, 22184204). This variant is present in population databases (rs767595964, gnomAD 0.009%). This premature translational stop signal has been observed in individual(s) with a DNAH11-related disease (internal data). ClinVar contains an entry for this variant (Variation ID: 454692). For these reasons, this variant has been classified as Pathogenic.

Ambry Genetics
Classification: Pathogenic for Primary ciliary dyskinesia. Last evaluated: 2024-10-17. Review status: criteria provided, single submitter. Criteria: Ambry Variant Classification Scheme 2023. Collection method: clinical testing. Allele origin: germline.
Comment: The p.R2044* pathogenic mutation (also known as c.6130C>T), located in coding exon 36 of the DNAH11 gene, results from a C to T substitution at nucleotide position 6130. This changes the amino acid from an arginine to a stop codon within coding exon 36. This variant has been identified in the homozygous state and/or in conjunction with other DNAH11 variant(s) in individual(s) with features consistent with primary ciliary dyskinesia (Davis SD et al. Am J Respir Crit Care Med, 2019 Jan;199:190-198). This alteration is expected to result in loss of function by premature protein truncation or nonsense-mediated mRNA decay. As such, this alteration is interpreted as a disease-causing mutation.

Blueprint Genetics
Classification: Pathogenic for DNAH11-related disorders. Last evaluated: 2024-02-06. Review status: criteria provided, single submitter. Criteria: ACMG Guidelines, 2015. Collection method: clinical testing. Allele origin: germline. Affected: yes. Observed: 4 variant alleles.

Yale Center for Mendelian Genomics, Yale University
Classification: Likely pathogenic for Primary ciliary dyskinesia. Last evaluated: 2018-08-01. Review status: no assertion criteria provided. Collection method: literature only. Allele origin: germline. Affected: yes. Observed: 1 compound heterozygote. Study: Yale Center for Mendelian Genomics. Not counted in ClinVar's aggregate classification.

Literature cited by the submitters: PubMed 18022865 (cited by Labcorp Genetics (formerly Invitae), Labcorp); PubMed 20513915 (cited by Labcorp Genetics (formerly Invitae), Labcorp); PubMed 22184204 (cited by Labcorp Genetics (formerly Invitae), Labcorp); PubMed 30067075 (cited by Ambry Genetics and Yale Center for Mendelian Genomics, Yale University).

NM_001277115.2(DNAH11):c.6130C>T (p.Arg2044Ter)

Gene: DNAH11 (dynein axonemal heavy chain 11; plus strand). Cytogenetic location: 7p15.3.
Variant type: single nucleotide variant.
Coding change: c.6130C>T on transcript NM_001277115.2 (MANE Select); coding-DNA position 6130, C replaced by T.
Protein change: p.Arg2044Ter; replaces arginine 2044 with a stop codon.
Molecular consequence: nonsense.
Genome position (GRCh38, 1-based): chr7:21,698,163, C>T. VCF-style: chr7-21698163-C-T. GRCh37 (hg19) VCF-style: chr7-21737781-C-T.
Other names: short protein forms R2044*.
Identifiers: ClinVar variation 454692 (VCV000454692.14), dbSNP rs767595964, ClinGen allele CA4180694.